The following is an entry in ClinVar:

NM_005431.2(XRCC2):c.698A>T (p.Gln233Leu)

Gene: XRCC2 (X-ray repair cross complementing 2; minus strand). Cytogenetic location: 7q36.1.
Variant type: single nucleotide variant.
Coding change: c.698A>T on transcript NM_005431.2 (MANE Select); coding-DNA position 698, A replaced by T.
Protein change: p.Gln233Leu; replaces glutamine 233 with leucine.
Molecular consequence: missense variant.
Genome position (GRCh38, 1-based): chr7:152,648,787, T>A on the plus strand (A>T on the coding strand, the complement: XRCC2 is on the minus strand). VCF-style: chr7-152648787-T-A. GRCh37 (hg19) VCF-style: chr7-152345872-T-A.
Other names: short protein forms Q233L.
Identifiers: ClinVar variation 584723 (VCV000584723.14), dbSNP rs946075316, ClinGen allele CA169486941.

ClinVar aggregate classification (germline): Uncertain significance. Review status: criteria provided, multiple submitters, no conflicts (2 of 4 stars). 3 submissions from 3 submitters: Uncertain significance (3). Last evaluated 2024-10-31.

Conditions:
Fanconi anemia complementation group U. Identifiers: MedGen C4310651, MONDO:0014987, OMIM 617247.
Hereditary cancer-predisposing syndrome. Also called: Neoplastic Syndromes, Hereditary; Hereditary Cancer Syndrome; Tumor predisposition; Hereditary neoplastic syndrome. Identifiers: Orphanet 140162, MedGen C0027672, MeSH D009386, MONDO:0015356.

Allele frequency attached by ClinVar (database versions not stated): gnomAD exomes below 0.00001; TOPMed 0.00002.
gnomAD v4.1: 2 of 1,614,236 alleles (0.00012%); highest among the groups gnomAD compares: Non-Finnish European, 0.00017%; no homozygotes.

Submissions (3):

Labcorp Genetics (formerly Invitae), Labcorp
Classification: Uncertain significance. Last evaluated: 2024-10-31. Review status: criteria provided, single submitter. Criteria: Invitae Variant Classification Sherloc (09022015). Collection method: clinical testing. Allele origin: germline.
Comment: This sequence change replaces glutamine, which is neutral and polar, with leucine, which is neutral and non-polar, at codon 233 of the XRCC2 protein (p.Gln233Leu). This variant is not present in population databases (gnomAD no frequency). This variant has not been reported in the literature in individuals affected with XRCC2-related conditions. ClinVar contains an entry for this variant (Variation ID: 584723). Invitae Evidence Modeling of protein sequence and biophysical properties (such as structural, functional, and spatial information, amino acid conservation, physicochemical variation, residue mobility, and thermodynamic stability) indicates that this missense variant is not expected to disrupt XRCC2 protein function with a negative predictive value of 80%. In summary, the available evidence is currently insufficient to determine the role of this variant in disease. Therefore, it has been classified as a Variant of Uncertain Significance.

Ambry Genetics
Classification: Uncertain significance for Hereditary cancer-predisposing syndrome. Last evaluated: 2023-05-19. Review status: criteria provided, single submitter. Criteria: Ambry Variant Classification Scheme 2023. Collection method: clinical testing. Allele origin: germline.
Comment: The p.Q233L variant (also known as c.698A>T), located in coding exon 3 of the XRCC2 gene, results from an A to T substitution at nucleotide position 698. The glutamine at codon 233 is replaced by leucine, an amino acid with dissimilar properties. This amino acid position is not well conserved in available vertebrate species. In addition, this alteration is predicted to be tolerated by in silico analysis. Since supporting evidence is limited at this time, the clinical significance of this alteration remains unclear.

Mendelics
Classification: Uncertain significance for Fanconi anemia complementation group U. Last evaluated: 2019-05-28. Review status: criteria provided, single submitter. Criteria: Mendelics Assertion Criteria 2017. Collection method: clinical testing. Allele origin: unknown.